The following is an entry in ClinVar:

NM_000350.3(ABCA4):c.926C>G (p.Pro309Arg)

Gene: ABCA4 (ATP binding cassette subfamily A member 4; minus strand). Cytogenetic location: 1p22.1.
Variant type: single nucleotide variant.
Coding change: c.926C>G on transcript NM_000350.3 (MANE Select); coding-DNA position 926, C replaced by G.
Protein change: p.Pro309Arg; replaces proline 309 with arginine.
Molecular consequence: missense variant.
Genome position (GRCh38, 1-based): chr1:94,080,651, G>C on the plus strand (C>G on the coding strand, the complement: ABCA4 is on the minus strand). VCF-style: chr1-94080651-G-C. GRCh37 (hg19) VCF-style: chr1-94546207-G-C.
Other names: c.926C>G, p.Pro309Arg (NM_001425324.1); short protein forms P309R.
Identifiers: ClinVar variation 99513 (VCV000099513.18), dbSNP rs61748545, ClinGen allele CA227468.

ClinVar aggregate classification (germline): Pathogenic/Likely pathogenic. Review status: criteria provided, multiple submitters, no conflicts (2 of 4 stars). 7 submissions from 7 submitters: Pathogenic (2); Likely pathogenic (3). 2 of the submissions do not count toward it. Last evaluated 2026-06-30.

Conditions:
Macular dystrophy. Identifiers: MedGen C0730292, HP:0007754.
ABCA4-related disorder. Also called: ABCA4-related condition; ABCA4-related disorders. Identifiers: MedGen CN239167.
Cone-rod dystrophy 3 (CORD3). Identifiers: Orphanet 1872, MedGen C1858806, MONDO:0011395, OMIM 604116.
Age related macular degeneration 2. Also called: MACULAR DEGENERATION, SENILE; MACULOPATHY, AGE-RELATED, 2; MACULOPATHY, AGE-RELATED. Identifiers: MedGen C3495438, MONDO:0007932, OMIM 153800.
Retinitis pigmentosa 19 (RP19). Also called: ABCA4-Related Retinitis Pigmentosa. Identifiers: Orphanet 791, MedGen C1866422, MONDO:0011137, OMIM 601718.
Severe early-childhood-onset retinal dystrophy (STGD1). Also called: MACULAR DYSTROPHY WITH FLECKS, TYPE 1; STGD; Stargardt disease 1; Stargardt macular dystrophy; Juvenile onset macular degeneration. Identifiers: Orphanet 364055, Orphanet 827, MedGen C1855465, MeSH D000080362, MONDO:0009549, OMIM 248200.

Allele frequency attached by ClinVar (database versions not stated): gnomAD exomes 0.00010; gnomAD 0.00039 and 0.00035; ExAC 0.00013; ESP Exome Variant Server 0.00054; TOPMed 0.00042.

Submissions (7):

PreventionGenetics, part of Exact Sciences
Classification: Likely pathogenic for ABCA4-related condition. Last evaluated: 2026-06-30. Review status: criteria provided, single submitter. Criteria: ACMG Guidelines, 2015. Collection method: clinical testing. Allele origin: germline.
Comment: The ABCA4 c.926C>G variant is predicted to result in the amino acid substitution p.Pro309Arg. This variant has been reported in individuals with Stargardt disease or ABCA4-related retinal disease (see for example: Table S1, Lin et al. 2024. PubMed ID: 38219857; Table S2, Turro et al. 2020. PubMed ID: 32581362; Zernant et al. 2014. PubMed ID: 25066811). In multiple individuals, this variant has been reported along with the ABCA4 pathogenic variants c.1609C>T (p.Arg537Cys) and c.6320G>A (p.Arg2107His) as a "third" pathogenic variant (see for example: Table S2, Turro et al. 2020. PubMed ID: 32581362; Zernant et al. 2014. PubMed ID: 25066811; Table S1, Lin et al. 2024. PubMed ID: 38219857). However, it has also been reported along with an ABCA4 nonsense variant (Zernant et al. 2014. PubMed ID: 25066811). This variant is present in 0.16% of alleles in individuals of African descent in gnomAD, indicating it is relatively common in this population. This variant is interpreted as likely pathogenic.

Labcorp Genetics (formerly Invitae), Labcorp
Classification: Pathogenic. Last evaluated: 2026-01-19. Review status: criteria provided, single submitter. Criteria: Invitae Variant Classification Sherloc (09022015). Collection method: clinical testing. Allele origin: germline.
Comment: This sequence change replaces proline, which is neutral and non-polar, with arginine, which is basic and polar, at codon 309 of the ABCA4 protein (p.Pro309Arg). This variant is present in population databases (rs61748545, gnomAD 0.2%). This missense change has been observed in individual(s) with Stargardt disease (PMID: 25066811; internal data). ClinVar contains an entry for this variant (Variation ID: 99513). Invitae Evidence Modeling of protein sequence and biophysical properties (such as structural, functional, and spatial information, amino acid conservation, physicochemical variation, residue mobility, and thermodynamic stability) has been performed for this missense variant. However, the output from this modeling did not meet the statistical confidence thresholds required to predict the impact of this variant on ABCA4 protein function. For these reasons, this variant has been classified as Pathogenic.

GeneDx
Classification: Likely pathogenic. Last evaluated: 2025-11-10. Review status: criteria provided, single submitter. Criteria: GeneDx Variant Classification Process June 2021. Collection method: clinical testing. Allele origin: germline. Affected: yes.
Comment: In silico analysis supports that this missense variant has a deleterious effect on protein structure/function; This variant is associated with the following publications: (PMID: 25066811, 19074458, 28041643, 32581362, 11527935, 38219857, 35120629)

Fulgent Genetics
Classification: Likely pathogenic for Age related macular degeneration 2; Severe early-childhood-onset retinal dystrophy; Retinitis pigmentosa 19; Cone-rod dystrophy 3. Last evaluated: 2024-03-28. Review status: criteria provided, single submitter. Criteria: ACMG Guidelines, 2015. Collection method: clinical testing. Allele origin: germline.

Blueprint Genetics
Classification: Pathogenic for ABCA4-related disorders. Last evaluated: 2021-12-23. Review status: criteria provided, single submitter. Criteria: ACMG Guidelines, 2015. Collection method: clinical testing. Allele origin: germline. Affected: yes. Observed: 5 variant alleles.

NIHR Bioresource Rare Diseases, University of Cambridge
Classification: Likely pathogenic for Macular dystrophy. Last evaluated: 2015-01-01. Review status: no assertion criteria provided. Collection method: research. Allele origin: unknown. Affected: yes. Observed: 1 variant allele. Not counted in ClinVar's aggregate classification.

Retina International
No classification provided. Review status: no classification provided. Collection method: not provided. Allele origin: not provided. Not counted in ClinVar's aggregate classification.

Literature cited by the submitters: PubMed 25066811 (cited by Labcorp Genetics (formerly Invitae), Labcorp); PubMed 11527935 (cited by NIHR Bioresource Rare Diseases, University of Cambridge); PubMed 28041643 (cited by NIHR Bioresource Rare Diseases, University of Cambridge).